The following is an entry in ClinVar:

NM_001034853.2(RPGR):c.2893G>T (p.Glu965Ter)

Gene: RPGR (retinitis pigmentosa GTPase regulator; minus strand). Cytogenetic location: Xp11.4.
Variant type: single nucleotide variant.
Coding change: c.2893G>T on transcript NM_001034853.2 (MANE Select); coding-DNA position 2893, G replaced by T.
Protein change: p.Glu965Ter; replaces glutamic acid 965 with a stop codon.
Molecular consequence: nonsense. On other transcripts: intron variant (8).
Genome position (GRCh38, 1-based): chrX:38,286,106, C>A on the plus strand (G>T on the coding strand, the complement: RPGR is on the minus strand). VCF-style: chrX-38286106-C-A. GRCh37 (hg19) VCF-style: chrX-38145359-C-A.
Other names: c.1569+4853G>T (NM_001367249.1, NM_001367250.1); c.1902+988G>T (NM_001367245.1); c.1386+4853G>T (NM_001367251.1); c.1719+988G>T (NM_001367246.1); c.1572+4853G>T (NM_001367247.1); c.1905+988G>T (NM_000328.3); c.1602+4853G>T (NM_001367248.1); c.2893G>T (NM_001034853.1); short protein forms E965*.
Identifiers: ClinVar variation 1361041 (VCV001361041.9), dbSNP rs1420285326, ClinGen allele CA412729521.
Genomic context (GRCh38, chrX:38,286,106, plus strand): 5'-CCTCCTCTTCCCCCTCCCCTTCTCCTTCCTCCCCTTCCCCTTCTCCTTCCTCTTCCCCCT[C>A]CCCTTCTCCTTCCTCCTCTTCCCCCTCCCATTCTCCTTCCTCCTCTTCCCCCTCCCCTTC-3'

ClinVar aggregate classification (germline): Pathogenic/Likely pathogenic. Review status: criteria provided, multiple submitters, no conflicts (2 of 4 stars). 4 submissions from 4 submitters: Pathogenic (3); Likely pathogenic (1). Last evaluated 2026-01-08.

Conditions:
RPGR-related disorder. Also called: RPGR-related condition.
Retinal dystrophy. Also called: Inherited retinal dystrophy. Identifiers: Orphanet 71862, MedGen C0854723, MeSH D058499, MONDO:0019118, HP:0000556.
Primary ciliary dyskinesia. Also called: Ciliary dyskinesia. Identifiers: Orphanet 244, MedGen C0008780, MONDO:0016575, HP:0012265.

Submissions (4):

Labcorp Genetics (formerly Invitae), Labcorp
Classification: Pathogenic for Primary ciliary dyskinesia. Last evaluated: 2026-01-08. Review status: criteria provided, single submitter. Criteria: Invitae Variant Classification Sherloc (09022015). Collection method: clinical testing. Allele origin: germline.
Comment: This sequence change creates a premature translational stop signal (p.Glu965*) in the RPGR (ORF15) gene. While this is not anticipated to result in nonsense mediated decay, it is expected to disrupt the last 188 amino acid(s) of the RPGR (ORF15) protein. This variant is not present in population databases (gnomAD no frequency). This premature translational stop signal has been observed in individual(s) with cone dystrophy (PMID: 23150612). ClinVar contains an entry for this variant (Variation ID: 1361041). This variant disrupts a region of the RPGR (ORF15) protein in which other variant(s) (p.Leu1130Lysfs*13) have been determined to be pathogenic (PMID: 22264887; internal data). This suggests that this is a clinically significant region of the protein, and that variants that disrupt it are likely to be disease-causing. For these reasons, this variant has been classified as Pathogenic.

GeneDx
Classification: Likely pathogenic. Last evaluated: 2023-11-15. Review status: criteria provided, single submitter. Criteria: GeneDx Variant Classification Process June 2021. Collection method: clinical testing. Allele origin: germline. Affected: yes.
Comment: Nonsense variant predicted to result in protein truncation, as the last 188 amino acids are lost, and other loss-of-function variants have been reported downstream at GDx; Not observed in large population cohorts (gnomAD); This variant is associated with the following publications: (PMID: 23150612, 22264887)

Blueprint Genetics
Classification: Pathogenic for RPGR-related disorders. Last evaluated: 2022-11-04. Review status: criteria provided, single submitter. Criteria: ACMG Guidelines, 2015. Collection method: clinical testing. Allele origin: germline. Affected: yes. Observed: 5 variant alleles.

Institute of Human Genetics, Univ. Regensburg, Univ. Regensburg
Classification: Pathogenic for Retinal dystrophy. Last evaluated: 2016-01-01. Review status: criteria provided, single submitter. Criteria: ACMG Guidelines, 2015. Collection method: clinical testing. Allele origin: germline. Affected: yes.

Literature cited by the submitters: PubMed 23150612 (cited by Labcorp Genetics (formerly Invitae), Labcorp and Institute of Human Genetics, Univ. Regensburg, Univ. Regensburg); PubMed 22264887 (cited by Labcorp Genetics (formerly Invitae), Labcorp).